The following is an entry in ClinVar:

ClinVar aggregate classification (germline): Conflicting classifications of pathogenicity. Review status: criteria provided, conflicting classifications (1 of 4 stars). 2 submissions from 2 submitters: Uncertain significance (1); Likely benign (1). Last evaluated 2024-12-04.

Submissions (2):

Labcorp Genetics (formerly Invitae), Labcorp
Classification: Uncertain significance. Last evaluated: 2024-12-04. Review status: criteria provided, single submitter. Criteria: Invitae Variant Classification Sherloc (09022015). Collection method: clinical testing. Allele origin: germline.
Comment: This sequence change falls in intron 63 of the HSPG2 gene. It does not directly change the encoded amino acid sequence of the HSPG2 protein. It affects a nucleotide within the consensus splice site. This variant is not present in population databases (gnomAD no frequency). This variant has not been reported in the literature in individuals affected with HSPG2-related conditions. ClinVar contains an entry for this variant (Variation ID: 381814). Variants that disrupt the consensus splice site are a relatively common cause of aberrant splicing (PMID: 17576681, 9536098). Algorithms developed to predict the effect of sequence changes on RNA splicing suggest that this variant may disrupt the consensus splice site. In summary, the available evidence is currently insufficient to determine the role of this variant in disease. Therefore, it has been classified as a Variant of Uncertain Significance.

GeneDx
Classification: Likely benign. Last evaluated: 2015-12-07. Review status: criteria provided, single submitter. Criteria: GeneDx Variant Classification (06012015). Collection method: clinical testing. Allele origin: germline. Affected: yes.
Comment: This variant is considered likely benign or benign based on one or more of the following criteria: it is a conservative change, it occurs at a poorly conserved position in the protein, it is predicted to be benign by multiple in silico algorithms, and/or has population frequency not consistent with disease.

Literature cited by the submitters: PubMed 17576681 (cited by Labcorp Genetics (formerly Invitae), Labcorp); PubMed 9536098 (cited by Labcorp Genetics (formerly Invitae), Labcorp).

NM_005529.7(HSPG2):c.8316+3A>G

Gene: HSPG2 (heparan sulfate proteoglycan 2; minus strand). Cytogenetic location: 1p36.12.
Variant type: single nucleotide variant.
Coding change: c.8316+3A>G on transcript NM_005529.7 (MANE Select); 3 bases into the intron after coding-DNA position 8316, A replaced by G.
Molecular consequence: intron variant.
Genome position (GRCh38, 1-based): chr1:21,846,445, T>C on the plus strand (A>G on the coding strand, the complement: HSPG2 is on the minus strand). VCF-style: chr1-21846445-T-C. GRCh37 (hg19) VCF-style: chr1-22172938-T-C.
Other names: c.8319+3A>G (NM_001291860.2).
Identifiers: ClinVar variation 381814 (VCV000381814.3), dbSNP rs1057521178, ClinGen allele CA16603531.